The following is an entry in ClinVar:

ClinVar aggregate classification (germline): Conflicting classifications of pathogenicity. Review status: criteria provided, conflicting classifications (1 of 4 stars). 2 submissions from 2 submitters: Uncertain significance (1); Likely benign (1). Last evaluated 2024-09-25.

Conditions:
Hereditary breast ovarian cancer syndrome. Also called: Hereditary breast and/or ovarian cancer syndrome; Hereditary breast and ovarian cancer syndrome; Hereditary breast and ovarian cancer syndrome (HBOC); Breast and ovarian cancer; Hereditary breast and ovarian cancer; BRCA1- and BRCA2-Associated Hereditary Breast and Ovarian Cancer. Identifiers: Orphanet 145, MedGen C0677776, MeSH D061325, MONDO:0003582. Disease mechanism: loss of function.
Hereditary cancer-predisposing syndrome. Also called: Hereditary Cancer Syndrome; Tumor predisposition; Hereditary neoplastic syndrome; Neoplastic Syndromes, Hereditary. Identifiers: Orphanet 140162, MedGen C0027672, MeSH D009386, MONDO:0015356.

Submissions (2):

Labcorp Genetics (formerly Invitae), Labcorp
Classification: Uncertain significance for Hereditary breast ovarian cancer syndrome. Last evaluated: 2024-09-25. Review status: criteria provided, single submitter. Criteria: Invitae Variant Classification Sherloc (09022015). Collection method: clinical testing. Allele origin: germline.
Comment: This sequence change replaces alanine, which is neutral and non-polar, with valine, which is neutral and non-polar, at codon 1972 of the BRCA2 protein (p.Ala1972Val). This variant is not present in population databases (gnomAD no frequency). This variant has not been reported in the literature in individuals affected with BRCA2-related conditions. ClinVar contains an entry for this variant (Variation ID: 1056420). Invitae Evidence Modeling of protein sequence and biophysical properties (such as structural, functional, and spatial information, amino acid conservation, physicochemical variation, residue mobility, and thermodynamic stability) indicates that this missense variant is not expected to disrupt BRCA2 protein function with a negative predictive value of 95%. In summary, the available evidence is currently insufficient to determine the role of this variant in disease. Therefore, it has been classified as a Variant of Uncertain Significance.

University of Washington Department of Laboratory Medicine, University of Washington
Classification: Likely benign for Hereditary cancer-predisposing syndrome. Last evaluated: 2023-03-23. Review status: criteria provided, single submitter. Criteria: Dines et al. (Genet Med. 2020). Collection method: curation. Allele origin: germline.
Comment: Missense variant in a coldspot region where missense variants are very unlikely to be pathogenic (PMID:31911673).

BRCA2 exon 11 coldspot. Reclassification based on statistical prior probability.

NM_000059.4(BRCA2):c.5915C>T (p.Ala1972Val)

Gene: BRCA2 (BRCA2 DNA repair associated; plus strand). Cytogenetic location: 13q13.1.
Variant type: single nucleotide variant.
Coding change: c.5915C>T on transcript NM_000059.4 (MANE Select); coding-DNA position 5915, C replaced by T.
Protein change: p.Ala1972Val; replaces alanine 1972 with valine.
Molecular consequence: missense variant.
Genome position (GRCh38, 1-based): chr13:32,340,270, C>T. VCF-style: chr13-32340270-C-T. GRCh37 (hg19) VCF-style: chr13-32914407-C-T.
Other names: short protein forms A1972V.
Identifiers: ClinVar variation 1056420 (VCV001056420.10), dbSNP rs2137522256, ClinGen allele CA387787521.